The following is an entry in ClinVar:

NM_001378454.1(ALMS1):c.8742A>G (p.Val2914=)

Gene: ALMS1 (ALMS1 centrosome and basal body associated protein; plus strand). Cytogenetic location: 2p13.1.
Variant type: single nucleotide variant.
Coding change: c.8742A>G on transcript NM_001378454.1 (MANE Select); coding-DNA position 8742, A replaced by G.
Protein change: p.Val2914=; no amino-acid change (valine 2914 retained).
Molecular consequence: synonymous variant.
Genome position (GRCh38, 1-based): chr2:73,490,701, A>G. VCF-style: chr2-73490701-A-G. GRCh37 (hg19) VCF-style: chr2-73717828-A-G.
Other names: c.8745A>G, p.Val2915= (NM_015120.4).
Identifiers: ClinVar variation 241014 (VCV000241014.34), dbSNP rs142611294, ClinGen allele CA1714531.
Genomic context (GRCh38, chr2:73,490,701, plus strand): 5'-ACGTGCAGATGACCATGTGAGGAAACACCATTCTCCCTCTCCTCAACATCAGGATTATGT[A>G]GCTCCAGACCTTCCTTCTTGCATTTTTCTTGAACAACGAGAACTCTTTGAACAGTGCAAA-3'
Protein context (NP_001365383.1, residues 2904-2924): HSPSPQHQDY[Val2914=]APDLPSCIFL

ClinVar aggregate classification (germline): Benign/Likely benign. Review status: criteria provided, multiple submitters, no conflicts (2 of 4 stars). 10 submissions from 10 submitters: Benign (7); Likely benign (2). 1 of the submissions does not count toward it. Last evaluated 2026-05-01.

Conditions:
Cardiovascular phenotype. Identifiers: MedGen CN230736.
Alstrom syndrome (ALMS). Identifiers: Orphanet 64, MedGen C0268425, MONDO:0008763, OMIM 203800.

Allele frequency attached by ClinVar (database versions not stated): gnomAD exomes 0.00042 and 0.00120; ExAC 0.00152; gnomAD 0.00441 and 0.00466; TOPMed 0.00468; ESP Exome Variant Server 0.00477; 1000 Genomes Project 0.00559.
gnomAD v4.1: 1,311 of 1,614,208 alleles (0.081%); highest among the groups gnomAD compares: African/African-American, 1.5%; 6 homozygotes.

Submissions (10):

CeGaT Center for Human Genetics Tuebingen
Classification: Likely benign. Last evaluated: 2026-05-01. Review status: criteria provided, single submitter. Criteria: CeGaT Center For Human Genetics Tuebingen Variant Classification Criteria Version 2. Collection method: clinical testing. Allele origin: germline. Affected: yes. Observed: 3 variant alleles.
Comment: ALMS1: BP4, BP7, BS1

Labcorp Genetics (formerly Invitae), Labcorp
Classification: Benign for Alstrom syndrome. Last evaluated: 2026-02-02. Review status: criteria provided, single submitter. Criteria: Invitae Variant Classification Sherloc (09022015). Collection method: clinical testing. Allele origin: germline.

Blueprint Genetics
Classification: Likely benign. Last evaluated: 2024-11-25. Review status: criteria provided, single submitter. Criteria: ACMG Guidelines, 2015. Collection method: clinical testing. Allele origin: germline.

ARUP Laboratories, Molecular Genetics and Genomics, ARUP Laboratories
Classification: Benign for Alstrom syndrome. Last evaluated: 2024-07-22. Review status: criteria provided, single submitter. Criteria: ARUP Molecular Germline Variant Investigation Process 2024. Collection method: clinical testing. Allele origin: germline.

Ambry Genetics
Classification: Benign for Cardiovascular phenotype. Last evaluated: 2018-12-26. Review status: criteria provided, single submitter. Criteria: Ambry Variant Classification Scheme 2023. Collection method: clinical testing. Allele origin: germline.

GeneDx
Classification: Benign. Last evaluated: 2018-07-02. Review status: criteria provided, single submitter. Criteria: GeneDx Variant Classification Process June 2021. Collection method: clinical testing. Allele origin: germline. Affected: yes.

Laboratory for Molecular Medicine, Mass General Brigham Personalized Medicine
Classification: Benign. Last evaluated: 2016-03-21. Review status: criteria provided, single submitter. Criteria: LMM Criteria. Collection method: clinical testing. Allele origin: germline. Observed: 1 variant allele.
Comment: p.Val2913Val in exon 10 of ALMS1: This variant is not expected to have clinical significance because it does not alter an amino acid residue, is not located wit hin the splice consensus sequence, and has been identified in 1.73% (169/9796) o f African chromosomes by the Exome Aggregation Consortium (ExAC; dbSNP rs142611294).

Women's Health and Genetics/Laboratory Corporation of America, LabCorp
Classification: Benign. Last evaluated: 2013-12-17. Review status: criteria provided, single submitter. Criteria: LabCorp Variant Classification Summary - May 2015. Collection method: clinical testing. Allele origin: germline.

Breakthrough Genomics
Classification: Benign. Review status: criteria provided, single submitter. Criteria: ACMG Guidelines, 2015. Collection method: not provided. Allele origin: germline. Inheritance: Autosomal recessive inheritance. Affected: yes.

Natera, Inc.
Classification: Likely benign for Alstrom syndrome. Last evaluated: 2019-12-02. Review status: no assertion criteria provided. Collection method: clinical testing. Allele origin: germline. Not counted in ClinVar's aggregate classification.